The following is an entry in ClinVar:

ClinVar aggregate classification (germline): Uncertain significance (1 of 4 stars; one submission).

Conditions:
Intellectual disability. Also called: Intellectual functioning disability; intellectual disabilities; Intellectual developmental disorder. Identifiers: MedGen C3714756, MeSH D008607, MONDO:0001071, HP:0001249.

gnomAD v4.1: 1 of 1,614,116 alleles (0.000062%); highest among the groups gnomAD compares: Non-Finnish European, 0.000085%; no homozygotes.

Submission:

Labcorp Genetics (formerly Invitae), Labcorp
Classification: Uncertain significance for Intellectual disability. Last evaluated: 2024-05-02. Review status: criteria provided, single submitter. Criteria: Invitae Variant Classification Sherloc (09022015). Collection method: clinical testing. Allele origin: germline.
Comment: This sequence change replaces arginine, which is basic and polar, with histidine, which is basic and polar, at codon 138 of the GABRB2 protein (p.Arg138His). This variant is not present in population databases (gnomAD no frequency). This variant has not been reported in the literature in individuals affected with GABRB2-related conditions. Advanced modeling of protein sequence and biophysical properties (such as structural, functional, and spatial information, amino acid conservation, physicochemical variation, residue mobility, and thermodynamic stability) has been performed at Invitae for this missense variant, however the output from this modeling did not meet the statistical confidence thresholds required to predict the impact of this variant on GABRB2 protein function. In summary, the available evidence is currently insufficient to determine the role of this variant in disease. Therefore, it has been classified as a Variant of Uncertain Significance.

NM_001371727.1(GABRB2):c.413G>A (p.Arg138His)

Gene: GABRB2 (gamma-aminobutyric acid type A receptor subunit beta2; minus strand). Cytogenetic location: 5q34.
Variant type: single nucleotide variant.
Coding change: c.413G>A on transcript NM_001371727.1 (MANE Select); coding-DNA position 413, G replaced by A.
Protein change: p.Arg138His; replaces arginine 138 with histidine.
Molecular consequence: missense variant.
Genome position (GRCh38, 1-based): chr5:161,459,669, C>T on the plus strand (G>A on the coding strand, the complement: GABRB2 is on the minus strand). VCF-style: chr5-161459669-C-T. GRCh37 (hg19) VCF-style: chr5-160886675-C-T.
Other names: c.413G>A, p.Arg138His (NM_000813.3, NM_021911.3); short protein forms R138H.
Identifiers: ClinVar variation 3635566 (VCV003635566.2).